The following is an entry in ClinVar:

NM_001039775.4(CRYBG2):c.507C>T (p.Leu169=)

Gene: CRYBG2 (crystallin beta-gamma domain containing 2; minus strand). Cytogenetic location: 1p36.11.
Variant type: single nucleotide variant.
Coding change: c.507C>T on transcript NM_001039775.4 (MANE Select); coding-DNA position 507, C replaced by T.
Protein change: p.Leu169=; no amino-acid change (leucine 169 retained).
Molecular consequence: synonymous variant.
Genome position (GRCh38, 1-based): chr1:26,346,151, G>A on the plus strand (C>T on the coding strand, the complement: CRYBG2 is on the minus strand). VCF-style: chr1-26346151-G-A. GRCh37 (hg19) VCF-style: chr1-26672642-G-A.
Identifiers: ClinVar variation 2638520 (VCV002638520.24), dbSNP rs374521631, ClinGen allele CA704463.

ClinVar aggregate classification (germline): Likely benign (1 of 4 stars; one submission).

Allele frequency attached by ClinVar (database versions not stated): TOPMed 0.00014; 1000 Genomes Project 30x 0.00016; 1000 Genomes Project 0.00020; gnomAD 0.00026.

Submission:

CeGaT Center for Human Genetics Tuebingen
Classification: Likely benign. Last evaluated: 2023-09-01. Review status: criteria provided, single submitter. Criteria: CeGaT Center For Human Genetics Tuebingen Variant Classification Criteria Version 2. Collection method: clinical testing. Allele origin: germline. Affected: yes. Observed: 1 variant allele.
Comment: CRYBG2: BP4, BP7